The following is an entry in ClinVar:

NM_144997.7(FLCN):c.665T>G (p.Met222Arg)

Gene: FLCN (folliculin; minus strand). Cytogenetic location: 17p11.2.
Variant type: single nucleotide variant.
Coding change: c.665T>G on transcript NM_144997.7 (MANE Select); coding-DNA position 665, T replaced by G.
Protein change: p.Met222Arg; replaces methionine 222 with arginine.
Molecular consequence: missense variant.
Genome position (GRCh38, 1-based): chr17:17,222,615, A>C on the plus strand (T>G on the coding strand, the complement: FLCN is on the minus strand). VCF-style: chr17-17222615-A-C. GRCh37 (hg19) VCF-style: chr17-17125929-A-C.
Other names: c.719T>G, p.Met240Arg (NM_001353229.2); c.665T>G, p.Met222Arg (NM_001353230.2, NM_001353231.2, NM_144606.7); short protein forms M222R, M240R.
Identifiers: ClinVar variation 439729 (VCV000439729.9), dbSNP rs1555609889, ClinGen allele CA398534051.

ClinVar aggregate classification (germline): Uncertain significance. Review status: criteria provided, multiple submitters, no conflicts (2 of 4 stars). 2 submissions from 2 submitters: Uncertain significance (2). Last evaluated 2022-09-14.

Conditions:
Hereditary cancer-predisposing syndrome. Also called: Hereditary Cancer Syndrome; Hereditary neoplastic syndrome; Neoplastic Syndromes, Hereditary; Tumor predisposition. Identifiers: Orphanet 140162, MedGen C0027672, MeSH D009386, MONDO:0015356.

Submissions (2):

Ambry Genetics
Classification: Uncertain significance for Hereditary cancer-predisposing syndrome. Last evaluated: 2022-09-14. Review status: criteria provided, single submitter. Criteria: Ambry Variant Classification Scheme 2023. Collection method: clinical testing. Allele origin: germline.
Comment: The p.M222R variant (also known as c.665T>G), located in coding exon 4 of the FLCN gene, results from a T to G substitution at nucleotide position 665. The methionine at codon 222 is replaced by arginine, an amino acid with similar properties. This amino acid position is highly conserved in available vertebrate species. In addition, this alteration is predicted to be deleterious by in silico analysis. Since supporting evidence is limited at this time, the clinical significance of this alteration remains unclear.

ARUP Laboratories, Molecular Genetics and Genomics, ARUP Laboratories
Classification: Uncertain significance. Last evaluated: 2016-12-02. Review status: criteria provided, single submitter. Criteria: ARUP Molecular Germline Variant Investigation Process. Collection method: clinical testing. Allele origin: germline.